The following is an entry in ClinVar:

ClinVar aggregate classification (germline): Uncertain significance (1 of 4 stars; one submission).

Conditions:
Hypertrophic cardiomyopathy. Also called: HYPERTROPHIC MYOCARDIOPATHY. Identifiers: Orphanet 217569, MedGen C0007194, MeSH D002312, MONDO:0005045, HP:0001639.

gnomAD v4.1: 4 of 1,614,050 alleles (0.00025%); highest among the groups gnomAD compares: Non-Finnish European, 0.00034%; no homozygotes.

Submission:

Labcorp Genetics (formerly Invitae), Labcorp
Classification: Uncertain significance for Hypertrophic cardiomyopathy. Last evaluated: 2024-03-01. Review status: criteria provided, single submitter. Criteria: Invitae Variant Classification Sherloc (09022015). Collection method: clinical testing. Allele origin: germline.
Comment: This sequence change replaces alanine, which is neutral and non-polar, with aspartic acid, which is acidic and polar, at codon 124 of the MYOZ2 protein (p.Ala124Asp). This variant is not present in population databases (gnomAD no frequency). This variant has not been reported in the literature in individuals affected with MYOZ2-related conditions. Advanced modeling of protein sequence and biophysical properties (such as structural, functional, and spatial information, amino acid conservation, physicochemical variation, residue mobility, and thermodynamic stability) performed at Invitae indicates that this missense variant is expected to disrupt MYOZ2 protein function with a positive predictive value of 80%. In summary, the available evidence is currently insufficient to determine the role of this variant in disease. Therefore, it has been classified as a Variant of Uncertain Significance.

NM_016599.5(MYOZ2):c.371C>A (p.Ala124Asp)

Gene: MYOZ2 (myozenin 2; plus strand). Cytogenetic location: 4q26.
Variant type: single nucleotide variant.
Coding change: c.371C>A on transcript NM_016599.5 (MANE Select); coding-DNA position 371, C replaced by A.
Protein change: p.Ala124Asp; replaces alanine 124 with aspartic acid.
Molecular consequence: missense variant.
Genome position (GRCh38, 1-based): chr4:119,158,146, C>A. VCF-style: chr4-119158146-C-A. GRCh37 (hg19) VCF-style: chr4-120079301-C-A.
Other names: short protein forms A124D.
Identifiers: ClinVar variation 3713391 (VCV003713391.2).
Genomic context (GRCh38, chr4:119,158,146, plus strand): 5'-CCCCCTTGACTCCTCCCAACACCCCAGATCCACGAAGCCCTCCAAATCCAGACAACATTG[C>A]TCCAGGTAACCAATCCCCTTACCAACAGAGCAATAAAATTTCTGTGTACCTAATGATATG-3'
Protein context (NP_057683.1, residues 114-134): PRSPPNPDNI[Ala124Asp]PGYSGPLKEI